The following is an entry in ClinVar:

NM_014049.5(ACAD9):c.1692+8C>G

Genes: ACAD9 (acyl-CoA dehydrogenase family member 9; plus strand), CFAP92 (cilia and flagella associated protein 92 (putative); minus strand). Cytogenetic location: 3q21.3.
Variant type: single nucleotide variant.
Coding change: c.1692+8C>G on transcript NM_014049.5 (MANE Select); 8 bases into the intron after coding-DNA position 1692, C replaced by G.
Molecular consequence: intron variant. On other transcripts: 3 prime UTR variant (3).
Genome position (GRCh38, 1-based): chr3:128,910,157, C>G. VCF-style: chr3-128910157-C-G. GRCh37 (hg19) VCF-style: chr3-128629000-C-G.
Other names: c.*142G>C (NM_001348520.2, NM_001348521.2, NM_001394090.1); c.1323+8C>G (NM_001410805.1).
Identifiers: ClinVar variation 513592 (VCV000513592.12), dbSNP rs558164082, ClinGen allele CA82540445.

ClinVar aggregate classification (germline): Likely benign. Review status: criteria provided, multiple submitters, no conflicts (2 of 4 stars). 3 submissions from 3 submitters: Likely benign (3). Last evaluated 2026-01-21.

Allele frequency attached by ClinVar (database versions not stated): gnomAD exomes below 0.00001 and 0.00002; gnomAD 0.00001; TOPMed 0.00001.
gnomAD v4.1: 25 of 1,613,814 alleles (0.0015%); highest among the groups gnomAD compares: East Asian, 0.0045%; no homozygotes.

Submissions (3):

Labcorp Genetics (formerly Invitae), Labcorp
Classification: Likely benign. Last evaluated: 2026-01-21. Review status: criteria provided, single submitter. Criteria: Invitae Variant Classification Sherloc (09022015). Collection method: clinical testing. Allele origin: germline.

Blueprint Genetics
Classification: Likely benign. Last evaluated: 2024-10-28. Review status: criteria provided, single submitter. Criteria: ACMG Guidelines, 2015. Collection method: clinical testing. Allele origin: germline.

GeneDx
Classification: Likely benign. Last evaluated: 2017-12-08. Review status: criteria provided, single submitter. Criteria: GeneDx Variant Classification (06012015). Collection method: clinical testing. Allele origin: germline. Affected: yes.
Comment: This variant is considered likely benign or benign based on one or more of the following criteria: it is a conservative change, it occurs at a poorly conserved position in the protein, it is predicted to be benign by multiple in silico algorithms, and/or has population frequency not consistent with disease.